The following is an entry in ClinVar:

ClinVar aggregate classification (germline): Uncertain significance (1 of 4 stars; one submission).

gnomAD v4.1: 1 of 1,612,736 alleles (0.000062%); highest among the groups gnomAD compares: Non-Finnish European, 0.000085%; no homozygotes.

Submission:

GeneDx
Classification: Uncertain significance. Last evaluated: 2025-01-19. Review status: criteria provided, single submitter. Criteria: GeneDx Variant Classification Process June 2021. Collection method: clinical testing. Allele origin: germline. Affected: yes.
Comment: Identified in an individual from a cohort of patients with tetralogy of Fallot; however, further clinical details were not provided (PMID: 34328347); Not observed at significant frequency in large population cohorts (gnomAD); In silico analysis indicates that this missense variant does not alter protein structure/function; This variant is associated with the following publications: (PMID: 34328347)

NM_000214.3(JAG1):c.2365C>T (p.His789Tyr)

Gene: JAG1 (jagged canonical Notch ligand 1; minus strand). Cytogenetic location: 20p12.2.
Variant type: single nucleotide variant.
Coding change: c.2365C>T on transcript NM_000214.3 (MANE Select); coding-DNA position 2365, C replaced by T.
Protein change: p.His789Tyr; replaces histidine 789 with tyrosine.
Molecular consequence: missense variant.
Genome position (GRCh38, 1-based): chr20:10,644,364, G>A on the plus strand (C>T on the coding strand, the complement: JAG1 is on the minus strand). VCF-style: chr20-10644364-G-A. GRCh37 (hg19) VCF-style: chr20-10625012-G-A.
Other names: short protein forms H789Y.
Identifiers: ClinVar variation 4070624 (VCV004070624.1).
Genomic context (GRCh38, chr20:10,644,364, plus strand): 5'-ACACACACACACGATAGTGGATGAGTGCTGGCTTAAAAGGATGTCACACTTACCAGGGAT[G>A]AGGGCTGCAGTCATTGGTATCTGCAAAGAAAAGACAACTTAATAGTGAGGACTTCAACAG-3'
Protein context (NP_000205.1, residues 779-799): CAQNTNDCSP[His789Tyr]PCYNSGTCVD